The following is an entry in ClinVar:

NM_017780.4(CHD7):c.3893T>C (p.Leu1298Pro)

Gene: CHD7 (chromodomain helicase DNA binding protein 7; plus strand). Cytogenetic location: 8q12.2.
Variant type: single nucleotide variant.
Coding change: c.3893T>C on transcript NM_017780.4 (MANE Select); coding-DNA position 3893, T replaced by C.
Protein change: p.Leu1298Pro; replaces leucine 1298 with proline.
Molecular consequence: missense variant. On other transcripts: intron variant (1).
Genome position (GRCh38, 1-based): chr8:60,836,187, T>C. VCF-style: chr8-60836187-T-C. GRCh37 (hg19) VCF-style: chr8-61748746-T-C.
Other names: c.1717-26042T>C (NM_001316690.1); short protein forms L1298P.
Identifiers: ClinVar variation 3360226 (VCV003360226.1).

ClinVar aggregate classification (germline): Uncertain significance (1 of 4 stars; one submission).

Submission:

GeneDx
Classification: Uncertain significance. Last evaluated: 2023-06-23. Review status: criteria provided, single submitter. Criteria: GeneDx Variant Classification Process June 2021. Collection method: clinical testing. Allele origin: germline. Affected: yes.
Comment: Not observed at significant frequency in large population cohorts (gnomAD); In silico analysis supports that this missense variant has a deleterious effect on protein structure/function; Has not been previously published as pathogenic or benign to our knowledge